The following is an entry in ClinVar:

NM_177438.3(DICER1):c.1800C>T (p.Asp600=)

Gene: DICER1 (dicer 1, ribonuclease III; minus strand). Cytogenetic location: 14q32.13.
Variant type: single nucleotide variant.
Coding change: c.1800C>T on transcript NM_177438.3 (MANE Select); coding-DNA position 1800, C replaced by T.
Protein change: p.Asp600=; no amino-acid change (aspartic acid 600 retained).
Molecular consequence: synonymous variant.
Genome position (GRCh38, 1-based): chr14:95,115,774, G>A on the plus strand (C>T on the coding strand, the complement: DICER1 is on the minus strand). VCF-style: chr14-95115774-G-A. GRCh37 (hg19) VCF-style: chr14-95582111-G-A.
Other names: c.1800C>T, p.Asp600= (NM_001195573.1, NM_001271282.3, NM_001291628.2 and 1 more transcripts).
Identifiers: ClinVar variation 477063 (VCV000477063.19), dbSNP rs199995391, ClinGen allele CA7331396.

ClinVar aggregate classification (germline): Benign/Likely benign. Review status: criteria provided, multiple submitters, no conflicts (2 of 4 stars). 5 submissions from 5 submitters: Benign (1); Likely benign (4). Last evaluated 2026-04-16.

Conditions:
DICER1-related tumor predisposition. Also called: DICER1-related pleuropulmonary blastoma cancer predisposition syndrome; DICER1 syndrome. Identifiers: Orphanet 284343, MedGen C3839822, MONDO:0100216.
Hereditary cancer-predisposing syndrome. Also called: Hereditary neoplastic syndrome; Neoplastic Syndromes, Hereditary; Hereditary Cancer Syndrome; Tumor predisposition. Identifiers: Orphanet 140162, MedGen C0027672, MeSH D009386, MONDO:0015356.

Allele frequency attached by ClinVar (database versions not stated): ESP Exome Variant Server 0.00008; gnomAD exomes 0.00002; ExAC 0.00002; gnomAD 0.00003; TOPMed 0.00002.
gnomAD v4.1: 20 of 1,613,978 alleles (0.0012%); highest among the groups gnomAD compares: Non-Finnish European, 0.0017%; no homozygotes.

Submissions (5):

Myriad Genetics, Inc.
Classification: Benign for DICER1-related tumor predisposition. Last evaluated: 2026-04-16. Review status: criteria provided, single submitter. Criteria: Myriad Autosomal Dominant, Autosomal Recessive and X-Linked Classification Criteria (2023). Collection method: clinical testing. Allele origin: unknown.
Comment: This variant is considered benign. This variant is a silent/synonymous amino acid change and it is not expected to impact splicing.

Labcorp Genetics (formerly Invitae), Labcorp
Classification: Likely benign for DICER1-related tumor predisposition. Last evaluated: 2025-12-03. Review status: criteria provided, single submitter. Criteria: Invitae Variant Classification Sherloc (09022015). Collection method: clinical testing. Allele origin: germline.

Quest Diagnostics Nichols Institute San Juan Capistrano
Classification: Likely benign. Last evaluated: 2023-05-07. Review status: criteria provided, single submitter. Criteria: Quest Diagnostics criteria. Collection method: clinical testing. Allele origin: unknown.

Sema4
Classification: Likely benign for Hereditary cancer-predisposing syndrome. Last evaluated: 2021-03-19. Review status: criteria provided, single submitter. Criteria: Sema4 Curation Guidelines. Collection method: curation. Allele origin: germline.

Ambry Genetics
Classification: Likely benign for Hereditary cancer-predisposing syndrome. Last evaluated: 2017-10-28. Review status: criteria provided, single submitter. Criteria: Ambry Variant Classification Scheme 2023. Collection method: clinical testing. Allele origin: germline.